The following is an entry in ClinVar:

ClinVar aggregate classification (germline): Pathogenic. Review status: criteria provided, multiple submitters, no conflicts (2 of 4 stars). 2 submissions from 2 submitters: Pathogenic (2). Last evaluated 2024-10-01.

Conditions:
Lynch syndrome 5 (LYNCH5). Also called: Hereditary non-polyposis colorectal cancer, type 5; Colorectal cancer, hereditary nonpolyposis, type 5. Identifiers: Orphanet 144, MedGen C1833477, MONDO:0013710, OMIM 614350. Disease mechanism: loss of function.
Hereditary nonpolyposis colorectal neoplasms. Identifiers: MedGen C0009405, MeSH D003123.

Submissions (2):

Labcorp Genetics (formerly Invitae), Labcorp
Classification: Pathogenic for Hereditary nonpolyposis colorectal neoplasms. Last evaluated: 2024-10-01. Review status: criteria provided, single submitter. Criteria: Invitae Variant Classification Sherloc (09022015). Collection method: clinical testing. Allele origin: germline.
Comment: This sequence change creates a premature translational stop signal (p.Cys779Serfs*7) in the MSH6 gene. It is expected to result in an absent or disrupted protein product. Loss-of-function variants in MSH6 are known to be pathogenic (PMID: 18269114, 24362816). This variant is not present in population databases (gnomAD no frequency). This premature translational stop signal has been observed in individual(s) with Lynch syndrome (PMID: 28874130). Algorithms developed to predict the effect of sequence changes on RNA splicing suggest that this variant may create or strengthen a splice site. For these reasons, this variant has been classified as Pathogenic.

Myriad Genetics, Inc.
Classification: Pathogenic for Lynch syndrome 5. Last evaluated: 2023-08-16. Review status: criteria provided, single submitter. Criteria: Myriad Autosomal Dominant, Autosomal Recessive and X-Linked Classification Criteria (2023). Collection method: clinical testing. Allele origin: unknown.
Comment: This variant is considered pathogenic. This variant creates a frameshift predicted to result in premature protein truncation.

Literature cited by the submitters: PubMed 18269114 (cited by Labcorp Genetics (formerly Invitae), Labcorp); PubMed 24362816 (cited by Labcorp Genetics (formerly Invitae), Labcorp); PubMed 28874130 (cited by Labcorp Genetics (formerly Invitae), Labcorp).

NM_000179.3(MSH6):c.2332_2335dup (p.Cys779fs)

Gene: MSH6 (mutS homolog 6; plus strand). Cytogenetic location: 2p16.3.
Variant type: Duplication.
Coding change: c.2332_2335dup on transcript NM_000179.3 (MANE Select); coding-DNA positions 2332 to 2335, 4 bases duplicated (CTTT; older notation c.2332_2335dupCTTT).
Protein change: p.Cys779fs; shifts the reading frame from cysteine 779.
Molecular consequence: frameshift variant. On other transcripts: non-coding transcript variant (5), intron variant (3).
Genome position (GRCh38, 1-based): chr2:47,800,315-47,800,318, CTTT duplicated. VCF-style (leftmost placement, unchanged base first): chr2-47800314-G-GCTTT. GRCh37 (hg19) VCF-style: chr2-48027453-G-GCTTT.
Other names: c.1942_1945dup, p.Cys649fs (NM_001281492.2); c.1426_1429dup, p.Cys477fs (NM_001281493.2, NM_001281494.2, NM_001406811.1 and 6 more transcripts); c.2428_2431dup, p.Cys811fs (NM_001406795.1, NM_001406802.1); c.2332_2335dup, p.Cys779fs (NM_001406796.1, NM_001406798.1, NM_001406800.1 and 2 more transcripts); c.2035_2038dup, p.Cys680fs (NM_001406797.1, NM_001406801.1, NM_001406805.1 and 10 more transcripts); c.1807_1810dup, p.Cys604fs (NM_001406799.1, NM_001406806.1, NM_001406807.1); c.2254_2257dup, p.Cys753fs (NM_001406804.1); c.2338_2341dup, p.Cys781fs (NM_001406813.1); and 4 more; short protein forms C477fs, C604fs, C649fs, C680fs, C723fs, C753fs, C779fs, C781fs.
Identifiers: ClinVar variation 2673762 (VCV002673762.4), dbSNP rs2530665571, ClinGen allele CA2586969289.